The following is an entry in ClinVar:

NM_001184.4(ATR):c.233C>G (p.Ser78Cys)

Gene: ATR (ATR checkpoint kinase; minus strand). Cytogenetic location: 3q23.
Variant type: single nucleotide variant.
Coding change: c.233C>G on transcript NM_001184.4 (MANE Select); coding-DNA position 233, C replaced by G.
Protein change: p.Ser78Cys; replaces serine 78 with cysteine.
Molecular consequence: missense variant.
Genome position (GRCh38, 1-based): chr3:142,566,180, G>C on the plus strand (C>G on the coding strand, the complement: ATR is on the minus strand). VCF-style: chr3-142566180-G-C. GRCh37 (hg19) VCF-style: chr3-142285022-G-C.
Other names: c.233C>G, p.Ser78Cys (NM_001354579.2); short protein forms S78C.
Identifiers: ClinVar variation 2830522 (VCV002830522.3), dbSNP rs2108494176, ClinGen allele CA354828467.

ClinVar aggregate classification (germline): Uncertain significance (1 of 4 stars; one submission).

Submission:

Labcorp Genetics (formerly Invitae), Labcorp
Classification: Uncertain significance. Last evaluated: 2023-01-20. Review status: criteria provided, single submitter. Criteria: Invitae Variant Classification Sherloc (09022015). Collection method: clinical testing. Allele origin: germline.
Comment: This sequence change replaces serine, which is neutral and polar, with cysteine, which is neutral and slightly polar, at codon 78 of the ATR protein (p.Ser78Cys). This variant is not present in population databases (gnomAD no frequency). This variant has not been reported in the literature in individuals affected with ATR-related conditions. Algorithms developed to predict the effect of missense changes on protein structure and function are either unavailable or do not agree on the potential impact of this missense change (SIFT: "Deleterious"; PolyPhen-2: "Probably Damaging"; Align-GVGD: "Class C0"). In summary, the available evidence is currently insufficient to determine the role of this variant in disease. Therefore, it has been classified as a Variant of Uncertain Significance.